The following is an entry in ClinVar:

ClinVar aggregate classification (germline): Likely pathogenic (1 of 4 stars; one submission).

Conditions:
Fabry disease. Also called: ALPHA-GALACTOSIDASE A DEFICIENCY; ANDERSON-FABRY DISEASE; CERAMIDE TRIHEXOSIDASE DEFICIENCY; GLA DEFICIENCY; HEREDITARY DYSTOPIC LIPIDOSIS; Angiokeratoma corporis diffusum. Identifiers: Orphanet 324, MedGen C0002986, MONDO:0010526, OMIM 301500, HP:0001071. Disease mechanism: Fabry disease is due to inactivating mutations in the X-linked GLA gene resulting in deficiency of the enzyme Alpha Galactosidase-A., loss of function.

Submission:

Genomenon, Inc
Classification: Likely pathogenic for Fabry disease. Last evaluated: 2026-09-08. Review status: criteria provided, single submitter. Criteria: Genomenon Sequence Variant Interpretation Standards - Updated. Collection method: curation. Allele origin: germline. Affected: yes.
Comment: GLA p.Gly35Arg (c.103G>A) is a missense variant that changes the amino acid at codon 35 from Glycine to Arginine. This variant has been observed in at least one proband with clinical features consistent with Fabry disease (PMID:39362930;8069316;38002959). The variant was found to segregate with disease in at least one affected family (PMID:38002959). Functional or patient cell studies have been reported (PMID:27657681). It is absent or not present at a significant frequency in gnomAD. In silico models predict that this variant is possibly or probably damaging. In conclusion, we classify GLA p.Gly35Arg (c.103G>A) as a likely pathogenic variant.

Literature cited by the submitters: PubMed 39362930; PubMed 8069316; PubMed 38002959; PubMed 27657681.

NM_000169.3(GLA):c.103G>A (p.Gly35Arg)

Genes: GLA (galactosidase alpha; minus strand), RPL36A-HNRNPH2 (RPL36A-HNRNPH2 readthrough; plus strand). Cytogenetic location: Xq22.1.
Variant type: single nucleotide variant.
Coding change: c.103G>A on transcript NM_000169.3 (MANE Select); coding-DNA position 103, G replaced by A.
Protein change: p.Gly35Arg; replaces glycine 35 with arginine.
Molecular consequence: missense variant. On other transcripts: non-coding transcript variant (3), intron variant (2).
Genome position (GRCh38, 1-based): chrX:101,407,801, C>T on the plus strand (G>A on the coding strand, the complement: GLA is on the minus strand). VCF-style: chrX-101407801-C-T. GRCh37 (hg19) VCF-style: chrX-100662789-C-T.
Other names: c.103G>A, p.Gly35Arg (NM_001406747.1, NM_001406748.1, NM_001406749.1); c.301-4135C>T (NM_001199973.2); c.178-4135C>T (NM_001199974.2); short protein forms G35R.
Identifiers: ClinVar variation 4087487 (VCV004087487.2).